The following is an entry in ClinVar:

NM_006206.6(PDGFRA):c.1396G>A (p.Ala466Thr)

Gene: PDGFRA (platelet derived growth factor receptor alpha; plus strand). Cytogenetic location: 4q12.
Variant type: single nucleotide variant.
Coding change: c.1396G>A on transcript NM_006206.6 (MANE Select); coding-DNA position 1396, G replaced by A.
Protein change: p.Ala466Thr; replaces alanine 466 with threonine.
Molecular consequence: missense variant.
Genome position (GRCh38, 1-based): chr4:54,273,568, G>A. VCF-style: chr4-54273568-G-A. GRCh37 (hg19) VCF-style: chr4-55139735-G-A.
Other names: c.1396G>A, p.Ala466Thr (NM_001347827.2, NM_001347829.2); c.1471G>A, p.Ala491Thr (NM_001347828.2); c.1435G>A, p.Ala479Thr (NM_001347830.2); short protein forms A479T, A491T, A466T.
Identifiers: ClinVar variation 1771651 (VCV001771651.3), dbSNP rs2110291481, ClinGen allele CA356892482.

ClinVar aggregate classification (germline): Uncertain significance (1 of 4 stars; one submission).

Conditions:
Hereditary cancer-predisposing syndrome. Also called: Hereditary Cancer Syndrome; Hereditary neoplastic syndrome; Neoplastic Syndromes, Hereditary; Tumor predisposition. Identifiers: Orphanet 140162, MedGen C0027672, MeSH D009386, MONDO:0015356.

Submission:

Ambry Genetics
Classification: Uncertain significance for Hereditary cancer-predisposing syndrome. Last evaluated: 2022-10-31. Review status: criteria provided, single submitter. Criteria: Ambry Variant Classification Scheme 2023. Collection method: clinical testing. Allele origin: germline.
Comment: The p.A466T variant (also known as c.1396G>A), located in coding exon 9 of the PDGFRA gene, results from a G to A substitution at nucleotide position 1396. The alanine at codon 466 is replaced by threonine, an amino acid with similar properties. This amino acid position is conserved. In addition, this alteration is predicted to be tolerated by in silico analysis. Since supporting evidence is limited at this time, the clinical significance of this alteration remains unclear.